The following is an entry in ClinVar:

NM_000245.4(MET):c.451A>G (p.Thr151Ala)

Gene: MET (MET proto-oncogene, receptor tyrosine kinase; plus strand). Cytogenetic location: 7q31.2.
Variant type: single nucleotide variant.
Coding change: c.451A>G on transcript NM_000245.4 (MANE Select); coding-DNA position 451, A replaced by G.
Protein change: p.Thr151Ala; replaces threonine 151 with alanine.
Molecular consequence: missense variant. On other transcripts: intron variant (1).
Genome position (GRCh38, 1-based): chr7:116,699,535, A>G. VCF-style: chr7-116699535-A-G. GRCh37 (hg19) VCF-style: chr7-116339589-A-G.
Other names: c.451A>G, p.Thr151Ala (NM_001127500.3, NM_001324401.3); c.-91+26958A>G (NM_001324402.2); short protein forms T151A.
Identifiers: ClinVar variation 1441069 (VCV001441069.11), dbSNP rs2116589147, ClinGen allele CA368969112.

ClinVar aggregate classification (germline): Conflicting classifications of pathogenicity. Review status: criteria provided, conflicting classifications (1 of 4 stars). 3 submissions from 3 submitters: Uncertain significance (2); Likely benign (1). Last evaluated 2026-08-06.

Conditions:
Hereditary cancer-predisposing syndrome. Also called: Hereditary Cancer Syndrome; Tumor predisposition; Neoplastic Syndromes, Hereditary; Hereditary neoplastic syndrome. Identifiers: Orphanet 140162, MedGen C0027672, MeSH D009386, MONDO:0015356.
Renal cell carcinoma. Identifiers: Orphanet 217071, MedGen C0007134, MeSH D002292, MONDO:0005086, HP:0005584.

Submissions (3):

Ambry Genetics
Classification: Likely benign for Hereditary cancer-predisposing syndrome. Last evaluated: 2026-08-06. Review status: criteria provided, single submitter. Criteria: Ambry Variant Classification Scheme 2023. Collection method: clinical testing. Allele origin: germline.

Labcorp Genetics (formerly Invitae), Labcorp
Classification: Uncertain significance for Renal cell carcinoma. Last evaluated: 2025-02-15. Review status: criteria provided, single submitter. Criteria: Invitae Variant Classification Sherloc (09022015). Collection method: clinical testing. Allele origin: germline.
Comment: This sequence change replaces threonine, which is neutral and polar, with alanine, which is neutral and non-polar, at codon 151 of the MET protein (p.Thr151Ala). This variant is not present in population databases (gnomAD no frequency). This variant has not been reported in the literature in individuals affected with MET-related conditions. ClinVar contains an entry for this variant (Variation ID: 1441069). An algorithm developed to predict the effect of missense changes on protein structure and function outputs the following: PolyPhen-2: "Benign". The alanine amino acid residue is found in multiple mammalian species, which suggests that this missense change does not adversely affect protein function. In summary, the available evidence is currently insufficient to determine the role of this variant in disease. Therefore, it has been classified as a Variant of Uncertain Significance.

GeneDx
Classification: Uncertain significance. Last evaluated: 2023-07-20. Review status: criteria provided, single submitter. Criteria: GeneDx Variant Classification Process June 2021. Collection method: clinical testing. Allele origin: germline. Affected: yes.
Comment: Not observed at significant frequency in large population cohorts (gnomAD); In silico analysis supports that this missense variant does not alter protein structure/function; Has not been previously published as pathogenic or benign to our knowledge